The following is an entry in ClinVar:

NM_004360.5(CDH1):c.2556G>A (p.Glu852=)

Gene: CDH1 (cadherin 1; plus strand). Cytogenetic location: 16q22.1.
Variant type: single nucleotide variant.
Coding change: c.2556G>A on transcript NM_004360.5 (MANE Select); coding-DNA position 2556, G replaced by A.
Protein change: p.Glu852=; no amino-acid change (glutamic acid 852 retained).
Molecular consequence: synonymous variant.
Genome position (GRCh38, 1-based): chr16:68,833,406, G>A. VCF-style: chr16-68833406-G-A. GRCh37 (hg19) VCF-style: chr16-68867309-G-A.
Other names: c.2556G>A (LRG_301t1); c.2373G>A, p.Glu791= (NM_001317184.2); c.1008G>A, p.Glu336= (NM_001317185.2); c.591G>A, p.Glu197= (NM_001317186.2).
Identifiers: ClinVar variation 382551 (VCV000382551.17), dbSNP rs760315494, ClinGen allele CA16607374.
Genomic context (GRCh38, chr16:68,833,406, plus strand): 5'-GTTTGACTATGAAGGAAGCGGTTCCGAAGCTGCTAGTCTGAGCTCCCTGAACTCCTCAGA[G>A]TCAGACAAAGACCAGGACTATGACTACTTGAACGAATGGGGCAATCGCTTCAAGAAGCTG-3'
Protein context (NP_004351.1, residues 842-862): AASLSSLNSS[Glu852=]SDKDQDYDYL

ClinVar aggregate classification (germline): Benign/Likely benign. Review status: criteria provided, multiple submitters, no conflicts (2 of 4 stars). 5 submissions from 5 submitters: Benign (1); Likely benign (4). Last evaluated 2025-08-11.

Conditions:
Hereditary cancer-predisposing syndrome. Also called: Hereditary neoplastic syndrome; Tumor predisposition; Neoplastic Syndromes, Hereditary; Hereditary Cancer Syndrome. Identifiers: Orphanet 140162, MedGen C0027672, MeSH D009386, MONDO:0015356.
Hereditary diffuse gastric adenocarcinoma (HDGC). Also called: DIFFUSE GASTRIC AND LOBULAR BREAST CANCER SYNDROME. Identifiers: Orphanet 26106, MedGen C1708349, MONDO:0007648, OMIM 137215.

gnomAD v4.1: 1 of 1,614,200 alleles (0.000062%); highest among the groups gnomAD compares: Non-Finnish European, 0.000085%; no homozygotes.

Submissions (5):

Labcorp Genetics (formerly Invitae), Labcorp
Classification: Likely benign for Hereditary diffuse gastric adenocarcinoma. Last evaluated: 2025-08-11. Review status: criteria provided, single submitter. Criteria: Invitae Variant Classification Sherloc (09022015). Collection method: clinical testing. Allele origin: germline.

Myriad Genetics, Inc.
Classification: Benign for Hereditary diffuse gastric adenocarcinoma. Last evaluated: 2024-09-24. Review status: criteria provided, single submitter. Criteria: Myriad Autosomal Dominant, Autosomal Recessive and X-Linked Classification Criteria (2023). Collection method: clinical testing. Allele origin: unknown.
Comment: This variant is considered benign. This variant is a silent/synonymous amino acid change and it is not expected to impact splicing.

Sema4
Classification: Likely benign for Hereditary cancer-predisposing syndrome. Last evaluated: 2021-10-14. Review status: criteria provided, single submitter. Criteria: Sema4 Curation Guidelines. Collection method: curation. Allele origin: germline.

Ambry Genetics
Classification: Likely benign for Hereditary cancer-predisposing syndrome. Last evaluated: 2016-08-08. Review status: criteria provided, single submitter. Criteria: Ambry Variant Classification Scheme 2023. Collection method: clinical testing. Allele origin: germline.

GeneDx
Classification: Likely benign. Last evaluated: 2015-12-29. Review status: criteria provided, single submitter. Criteria: GeneDx Variant Classification (06012015). Collection method: clinical testing. Allele origin: germline. Affected: yes.
Comment: This variant is considered likely benign or benign based on one or more of the following criteria: it is a conservative change, it occurs at a poorly conserved position in the protein, it is predicted to be benign by multiple in silico algorithms, and/or has population frequency not consistent with disease.